The following is an entry in ClinVar:

NM_004004.6(GJB2):c.500T>C (p.Val167Ala)

Gene: GJB2 (gap junction protein beta 2; minus strand). Cytogenetic location: 13q12.11.
Variant type: single nucleotide variant.
Coding change: c.500T>C on transcript NM_004004.6 (MANE Select); coding-DNA position 500, T replaced by C.
Protein change: p.Val167Ala; replaces valine 167 with alanine.
Molecular consequence: missense variant.
Genome position (GRCh38, 1-based): chr13:20,189,082, A>G on the plus strand (T>C on the coding strand, the complement: GJB2 is on the minus strand). VCF-style: chr13-20189082-A-G. GRCh37 (hg19) VCF-style: chr13-20763221-A-G.
Other names: short protein forms V167A.
Identifiers: ClinVar variation 1339621 (VCV001339621.6), dbSNP rs201983374, ClinGen allele CA387461019.
Genomic context (GRCh38, chr13:20,189,082, plus strand): 5'-TCCGTGGGCCGGGACACAAAGCAGTCCACAGTGTTGGGACAAGGCCAGGCGTTGCACTTC[A>G]CCAGCCGCTGCATGGAGAAGCCGTCGTACATGACATAGAAGACGTACATGAAGGCGGCTT-3'
Protein context (NP_003995.2, residues 157-177): MYDGFSMQRL[Val167Ala]KCNAWPCPNT

ClinVar aggregate classification (germline): Conflicting classifications of pathogenicity. Review status: criteria provided, conflicting classifications (1 of 4 stars). 2 submissions from 2 submitters: Likely pathogenic (1); Uncertain significance (1). Last evaluated 2024-03-28.

Allele frequency attached by ClinVar (database versions not stated): gnomAD exomes below 0.00001; TOPMed below 0.00001; gnomAD 0.00001.

Submissions (2):

GeneDx
Classification: Likely pathogenic. Last evaluated: 2024-03-28. Review status: criteria provided, single submitter. Criteria: GeneDx Variant Classification Process June 2021. Collection method: clinical testing. Allele origin: germline. Affected: yes.
Comment: Not observed at a significant frequency in large population cohorts (gnomAD); In silico analysis supports that this missense variant has a deleterious effect on protein structure/function; Has not been previously published as pathogenic or benign to our knowledge

Women's Health and Genetics/Laboratory Corporation of America, LabCorp
Classification: Uncertain significance. Last evaluated: 2024-03-19. Review status: criteria provided, single submitter. Criteria: LabCorp Variant Classification Summary - May 2015. Collection method: clinical testing. Allele origin: germline.
Comment: Variant summary: GJB2 c.500T>C (p.Val167Ala) results in a non-conservative amino acid change located in the Connexin, N-terminal (IPR0133092) of the encoded protein sequence. Five of five in-silico tools predict a damaging effect of the variant on protein function. The variant allele was found at a frequency of 4.1e-06 in 243742 control chromosomes. The available data on variant occurrences in the general population are insufficient to allow any conclusion about variant significance. To our knowledge, no occurrence of c.500T>C in individuals affected with Non-Syndromic Hearing Loss and no experimental evidence demonstrating its impact on protein function have been reported. ClinVar contains an entry for this variant (Variation ID: 1339621). Based on the evidence outlined above, the variant was classified as uncertain significance.